The following is an entry in ClinVar:

ClinVar aggregate classification (germline): Conflicting classifications of pathogenicity. Review status: criteria provided, conflicting classifications (1 of 4 stars). 3 submissions from 3 submitters: Uncertain significance (2); Benign (1). Last evaluated 2025-09-28.

Conditions:
Inborn genetic diseases. Identifiers: MedGen C0950123, MeSH D030342.

Allele frequency attached by ClinVar (database versions not stated): gnomAD exomes 0.00004; ExAC 0.00006; 1000 Genomes Project 30x 0.00016.
gnomAD v4.1: 17 of 1,601,286 alleles (0.0011%); highest among the groups gnomAD compares: South Asian, 0.018%; no homozygotes.

Submissions (3):

Ambry Genetics
Classification: Uncertain significance for Inborn genetic diseases. Last evaluated: 2025-09-28. Review status: criteria provided, single submitter. Criteria: Ambry Variant Classification Scheme 2023. Collection method: clinical testing. Allele origin: germline.

Labcorp Genetics (formerly Invitae), Labcorp
Classification: Benign. Last evaluated: 2024-02-24. Review status: criteria provided, single submitter. Criteria: Invitae Variant Classification Sherloc (09022015). Collection method: clinical testing. Allele origin: germline.

GeneDx
Classification: Uncertain significance. Last evaluated: 2022-01-11. Review status: criteria provided, single submitter. Criteria: GeneDx Variant Classification Process June 2021. Collection method: clinical testing. Allele origin: germline. Affected: yes.
Comment: In silico analysis supports that this missense variant does not alter protein structure/function; Has not been previously published as pathogenic or benign to our knowledge

NM_080680.3(COL11A2):c.4399G>T (p.Ala1467Ser)

Gene: COL11A2 (collagen type XI alpha 2 chain; minus strand). Cytogenetic location: 6p21.32.
Variant type: single nucleotide variant.
Coding change: c.4399G>T on transcript NM_080680.3 (MANE Select); coding-DNA position 4399, G replaced by T.
Protein change: p.Ala1467Ser; replaces alanine 1467 with serine.
Molecular consequence: missense variant.
Genome position (GRCh38, 1-based): chr6:33,166,200, C>A on the plus strand (G>T on the coding strand, the complement: COL11A2 is on the minus strand). VCF-style: chr6-33166200-C-A. GRCh37 (hg19) VCF-style: chr6-33133977-C-A.
Other names: c.4078G>T, p.Ala1360Ser (NM_080679.3); c.4141G>T, p.Ala1381Ser (NM_080681.3); short protein forms A1360S, A1381S, A1467S.
Identifiers: ClinVar variation 1696985 (VCV001696985.6), dbSNP rs779385536, ClinGen allele CA3750099.